The following is an entry in ClinVar:

NM_004385.5(VCAN):c.6280C>G (p.Pro2094Ala)

Genes: VCAN (versican; plus strand), VCAN-AS1 (VCAN antisense RNA 1; minus strand). Cytogenetic location: 5q14.3.
Variant type: single nucleotide variant.
Coding change: c.6280C>G on transcript NM_004385.5 (MANE Select); coding-DNA position 6280, C replaced by G.
Protein change: p.Pro2094Ala; replaces proline 2094 with alanine.
Molecular consequence: missense variant. On other transcripts: intron variant (2).
Genome position (GRCh38, 1-based): chr5:83,539,283, C>G. VCF-style: chr5-83539283-C-G. GRCh37 (hg19) VCF-style: chr5-82835102-C-G.
Other names: c.3319C>G, p.Pro1107Ala (NM_001164097.2); c.4004-6254C>G (NM_001164098.2); c.1043-6254C>G (NM_001126336.3); c.6280C>G (NM_004385.4); short protein forms P1107A, P2094A.
Identifiers: ClinVar variation 1939498 (VCV001939498.6), dbSNP rs766462348, ClinGen allele CA3333467.
Genomic context (GRCh38, chr5:83,539,283, plus strand): 5'-GAGAAGGAGGAAGTAAAGGTCAGTGGCACAGTTTCAACAAACTTTCCCCAAACTATAGAG[C>G]CAGCCAAATTATGGTCTAGGCAAGAAGTCAACCCTGTAAGACAAGAAATTGAAAGTGAAA-3'
Protein context (NP_004376.2, residues 2084-2104): VSTNFPQTIE[Pro2094Ala]AKLWSRQEVN

ClinVar aggregate classification (germline): Uncertain significance. Review status: criteria provided, multiple submitters, no conflicts (2 of 4 stars). 2 submissions from 2 submitters: Uncertain significance (2). Last evaluated 2025-08-29.

Conditions:
Inborn genetic diseases. Identifiers: MedGen C0950123, MeSH D030342.

Allele frequency attached by ClinVar (database versions not stated): gnomAD exomes below 0.00001; ExAC 0.00001; gnomAD 0.00001; TOPMed 0.00001.
gnomAD v4.1: 6 of 1,613,892 alleles (0.00037%); highest among the groups gnomAD compares: Non-Finnish European, 0.000085%; no homozygotes.

Submissions (2):

Ambry Genetics
Classification: Uncertain significance for Inborn genetic diseases. Last evaluated: 2025-08-29. Review status: criteria provided, single submitter. Criteria: Ambry Variant Classification Scheme 2023. Collection method: clinical testing. Allele origin: germline.

Labcorp Genetics (formerly Invitae), Labcorp
Classification: Uncertain significance. Last evaluated: 2021-12-24. Review status: criteria provided, single submitter. Criteria: Invitae Variant Classification Sherloc (09022015). Collection method: clinical testing. Allele origin: germline.
Comment: This sequence change replaces proline, which is neutral and non-polar, with alanine, which is neutral and non-polar, at codon 2094 of the VCAN protein (p.Pro2094Ala). This variant is not present in population databases (gnomAD no frequency). This variant has not been reported in the literature in individuals affected with VCAN-related conditions. Algorithms developed to predict the effect of missense changes on protein structure and function (SIFT, PolyPhen-2, Align-GVGD) all suggest that this variant is likely to be disruptive. In summary, the available evidence is currently insufficient to determine the role of this variant in disease. Therefore, it has been classified as a Variant of Uncertain Significance.